The following is an entry in ClinVar:

ClinVar aggregate classification (germline): Pathogenic/Likely pathogenic. Review status: criteria provided, multiple submitters, no conflicts (2 of 4 stars). 3 submissions from 3 submitters: Pathogenic (1); Likely pathogenic (1). 1 of the submissions does not count toward it. Last evaluated 2024-05-23.

Conditions:
Tuberous sclerosis syndrome (TSC). Also called: Tuberous Sclerosis Complex; Tuberous sclerosis. Identifiers: Orphanet 805, MedGen C0041341, MONDO:0001734.
Lymphangiomyomatosis (LAM). Also called: Lymphangioleiomyomatosis; Lymphangioleiomyomatosis, somatic. Identifiers: Orphanet 538, MedGen C0751674, MONDO:0011705, OMIM 606690.
Tuberous sclerosis 1 (TSC1). Identifiers: Orphanet 805, MedGen C1854465, MONDO:0008612, OMIM 191100.
Isolated focal cortical dysplasia type II (FCORD2). Also called: CORTICAL DYSPLASIA OF TAYLOR; Focal cortical dysplasia type II. Identifiers: Orphanet 268994, MedGen C1846385, MONDO:0011818, OMIM 607341, HP:0032051.

Submissions (3):

Fulgent Genetics
Classification: Likely pathogenic for Tuberous sclerosis 1; Lymphangiomyomatosis; Isolated focal cortical dysplasia type II. Last evaluated: 2024-05-23. Review status: criteria provided, single submitter. Criteria: ACMG Guidelines, 2015. Collection method: clinical testing. Allele origin: germline.

GeneDx
Classification: Pathogenic. Last evaluated: 2022-08-12. Review status: criteria provided, single submitter. Criteria: GeneDx Variant Classification Process June 2021. Collection method: clinical testing. Allele origin: germline. Affected: yes.
Comment: Frameshift variant predicted to result in protein truncation or nonsense mediated decay in a gene for which loss of function is a known mechanism of disease; Not observed at significant frequency in large population cohorts (gnomAD); This variant is associated with the following publications: (PMID: 17304050)

Tuberous sclerosis database (TSC1)
No classification provided. Condition: TSC. Review status: no classification provided. Criteria: Tuberous Sclerosis Database Assertion Criteria 2015. Collection method: curation. Allele origin: germline. Affected: yes. Not counted in ClinVar's aggregate classification.

NM_000368.5(TSC1):c.2082del (p.Gln694fs)

Gene: TSC1 (TSC complex subunit 1; minus strand). Cytogenetic location: 9q34.13.
Variant type: Deletion.
Coding change: c.2082del on transcript NM_000368.5 (MANE Select); coding-DNA position 2082, one base deleted (G; older notation c.2082delG).
Protein change: p.Gln694fs; shifts the reading frame from glutamine 694.
Molecular consequence: frameshift variant.
Genome position (GRCh38, 1-based): chr9:132,903,777, C deleted on the plus strand (G on the coding strand, the reverse complement: TSC1 is on the minus strand). VCF-style (leftmost placement, unchanged base first): chr9-132903776-AC-A. GRCh37 (hg19) VCF-style: chr9-135779163-AC-A.
Other names: c.2082delG (NM_000368.4); c.2079del, p.Gln693fs (NM_001162426.2); c.1929del, p.Gln643fs (NM_001162427.2); c.1719del, p.Gln573fs (NM_001362177.2); c.2082del (NM_000368.4); short protein forms Q573fs, Q643fs, Q694fs, Q693fs.
Identifiers: ClinVar variation 48886 (VCV000048886.4), dbSNP rs118203632, ClinGen allele CA005927.